The following is an entry in ClinVar:

ClinVar aggregate classification (germline): Uncertain significance (1 of 4 stars; one submission).

Conditions:
MEF2C-related disorder. Also called: MEF2C-related condition; MEF2C-related disorders. Identifiers: MedGen CN381096.

Allele frequency attached by ClinVar (database versions not stated): gnomAD exomes below 0.00001; TOPMed below 0.00001.

Submission:

PreventionGenetics, part of Exact Sciences
Classification: Uncertain significance for MEF2C-related condition. Last evaluated: 2022-10-20. Review status: criteria provided, single submitter. Criteria: ACMG Guidelines, 2015. Collection method: clinical testing. Allele origin: germline.
Comment: The MEF2C c.781C>T variant is predicted to result in the amino acid substitution p.Pro261Ser. To our knowledge, this variant has not been reported in the literature or in a large population database, indicating this variant is rare. At this time, the clinical significance of this variant is uncertain due to the absence of conclusive functional and genetic evidence.

NM_002397.5(MEF2C):c.781C>T (p.Pro261Ser)

Gene: MEF2C (myocyte enhancer factor 2C; minus strand). Cytogenetic location: 5q14.3.
Variant type: single nucleotide variant.
Coding change: c.781C>T on transcript NM_002397.5 (MANE Select); coding-DNA position 781, C replaced by T.
Protein change: p.Pro261Ser; replaces proline 261 with serine.
Molecular consequence: missense variant.
Genome position (GRCh38, 1-based): chr5:88,731,758, G>A on the plus strand (C>T on the coding strand, the complement: MEF2C is on the minus strand). VCF-style: chr5-88731758-G-A. GRCh37 (hg19) VCF-style: chr5-88027575-G-A.
Other names: c.775C>T, p.Pro259Ser (NM_001131005.2, NM_001364343.2, NM_001364352.2); c.835C>T, p.Pro279Ser (NM_001193347.1, NM_001364338.2); c.637C>T, p.Pro213Ser (NM_001193348.1, NM_001193349.3, NM_001364332.2 and 3 more transcripts); c.781C>T, p.Pro261Ser (NM_001193350.2, NM_001308002.3, NM_001363581.2 and 18 more transcripts); c.403C>T, p.Pro135Ser (NM_001364356.2, NM_001364353.2); c.355C>T, p.Pro119Ser (NM_001364357.2); short protein forms P119S, P135S, P213S, P259S, P261S, P279S.
Identifiers: ClinVar variation 2635204 (VCV002635204.1), dbSNP rs1278522595, ClinGen allele CA360423213.